The following is an entry in ClinVar:

NM_058004.4(PI4KA):c.69C>T (p.Gly23=)

Gene: PI4KA (phosphatidylinositol 4-kinase alpha; minus strand). Cytogenetic location: 22q11.21.
Variant type: single nucleotide variant.
Coding change: c.69C>T on transcript NM_058004.4 (MANE Select); coding-DNA position 69, C replaced by T.
Protein change: p.Gly23=; no amino-acid change (glycine 23 retained).
Molecular consequence: synonymous variant.
Genome position (GRCh38, 1-based): chr22:20,858,657, G>A on the plus strand (C>T on the coding strand, the complement: PI4KA is on the minus strand). VCF-style: chr22-20858657-G-A. GRCh37 (hg19) VCF-style: chr22-21212945-G-A.
Other names: c.69C>T, p.Gly23= (NM_001362862.2, NM_001362863.2).
Identifiers: ClinVar variation 2652921 (VCV002652921.24), dbSNP rs1308708616, ClinGen allele CA513481373.
Genomic context (GRCh38, chr22:20,858,657, plus strand): 5'-CGCCAGGGAGCGGGCCAGTGACAGGACCGTGTTGAAATAGAAGCCCCGCGAGGCGCTGGA[G>A]CCGGAGCCGGAGCAGCCGCCGCCGCCTCCGCCTCCGCCTCCGCCTCCCCGGGCCGGGGCC-3'
Protein context (NP_477352.3, residues 13-33): GGGGGGCSGS[Gly23=]SSASRGFYFN

ClinVar aggregate classification (germline): Likely benign (1 of 4 stars; one submission).

Allele frequency attached by ClinVar (database versions not stated): gnomAD exomes 0.00002.
gnomAD v4.1: 20 of 1,481,146 alleles (0.0014%); highest among the groups gnomAD compares: Non-Finnish European, 0.0018%; no homozygotes.

Submission:

CeGaT Center for Human Genetics Tuebingen
Classification: Likely benign. Last evaluated: 2023-01-01. Review status: criteria provided, single submitter. Criteria: CeGaT Center For Human Genetics Tuebingen Variant Classification Criteria Version 2. Collection method: clinical testing. Allele origin: germline. Affected: yes. Observed: 1 variant allele.
Comment: PI4KA: BP4, BP7